The following is an entry in ClinVar:

ClinVar aggregate classification (germline): Uncertain significance (1 of 4 stars; one submission).

gnomAD v4.1: 10 of 1,613,936 alleles (0.00062%); highest among the groups gnomAD compares: South Asian, 0.0088%; no homozygotes.

Submission:

Dasa
Classification: Uncertain significance. Last evaluated: 2026-07-30. Review status: criteria provided, single submitter. Criteria: DASA Assertion Criteria. Collection method: clinical testing. Allele origin: germline.
Comment: NM_000352.6(ABCC8):c.2611G>A (p.Gly871Ser) is a missense variant that results in the substitution of glycine with serine. This variant is rare in population databases. The currently available literature and clinical evidence are not sufficient to establish a definitive association between this variant and the reported condition. Therefore, this variant is classified as a variant of uncertain significance.

NM_000352.6(ABCC8):c.2611G>A (p.Gly871Ser)

Gene: ABCC8 (ATP binding cassette subfamily C member 8; minus strand). Cytogenetic location: 11p15.1.
Variant type: single nucleotide variant.
Coding change: c.2611G>A on transcript NM_000352.6 (MANE Select); coding-DNA position 2611, G replaced by A.
Protein change: p.Gly871Ser; replaces glycine 871 with serine.
Molecular consequence: missense variant. On other transcripts: non-coding transcript variant (1).
Genome position (GRCh38, 1-based): chr11:17,410,599, C>T on the plus strand (G>A on the coding strand, the complement: ABCC8 is on the minus strand). VCF-style: chr11-17410599-C-T. GRCh37 (hg19) VCF-style: chr11-17432146-C-T.
Other names: c.2614G>A, p.Gly872Ser (NM_001287174.3); c.2677G>A, p.Gly893Ser (NM_001351295.2); c.2611G>A, p.Gly871Ser (NM_001351296.2); c.2608G>A, p.Gly870Ser (NM_001351297.2); short protein forms G870S, G871S, G872S, G893S.
Identifiers: ClinVar variation 5021020 (VCV005021020.1).